The following is an entry in ClinVar:

NM_014855.3(AP5Z1):c.1124T>A (p.Leu375Gln)

Gene: AP5Z1 (adaptor related protein complex 5 subunit zeta 1; plus strand). Cytogenetic location: 7p22.1.
Variant type: single nucleotide variant.
Coding change: c.1124T>A on transcript NM_014855.3 (MANE Select); coding-DNA position 1124, T replaced by A.
Protein change: p.Leu375Gln; replaces leucine 375 with glutamine.
Molecular consequence: missense variant. On other transcripts: non-coding transcript variant (1).
Genome position (GRCh38, 1-based): chr7:4,785,676, T>A. VCF-style: chr7-4785676-T-A. GRCh37 (hg19) VCF-style: chr7-4825307-T-A.
Other names: p.Leu375Gln; c.1124T>A, p.Leu375Gln (LRG_1247t1); c.656T>A, p.Leu219Gln (NM_001364858.1); short protein forms L375Q, L219Q.
Identifiers: ClinVar variation 128408 (VCV000128408.27), dbSNP rs11772411, ClinGen allele CA151855.

ClinVar aggregate classification (germline): Benign. Review status: criteria provided, multiple submitters, no conflicts (2 of 4 stars). 8 submissions from 8 submitters: Benign (7). 1 of the submissions does not count toward it. Last evaluated 2026-02-04.

Conditions:
Hereditary spastic paraplegia 48. Also called: SPASTIC PARAPLEGIA 48, AUTOSOMAL RECESSIVE; Spastic paraplegia 48. Identifiers: Orphanet 306511, MedGen C3150901, MONDO:0013342, OMIM 613647.
Hereditary spastic paraplegia. Also called: Familial spastic paraparesis. Identifiers: Orphanet 685, MedGen C0037773, MONDO:0019064. Disease mechanism: loss of function.

Allele frequency attached by ClinVar (database versions not stated): TOPMed 0.04926; gnomAD 0.05021 and 0.05491; 1000 Genomes Project 30x 0.07011; 1000 Genomes Project 0.07169; ESP Exome Variant Server 0.04784; gnomAD exomes 0.07920; ExAC 0.17156.

Submissions (31):

Labcorp Genetics (formerly Invitae), Labcorp
Classification: Benign for Hereditary spastic paraplegia 48. Last evaluated: 2026-02-04. Review status: criteria provided, single submitter. Criteria: Invitae Variant Classification Sherloc (09022015). Collection method: clinical testing. Allele origin: germline.

Genome-Nilou Lab
Classification: Benign for Hereditary spastic paraplegia 48. Last evaluated: 2021-07-14. Review status: criteria provided, single submitter. Criteria: ACMG Guidelines, 2015. Collection method: clinical testing. Allele origin: germline. Affected: no.

Mayo Clinic Laboratories, Mayo Clinic
Classification: Benign. Last evaluated: 2020-06-04. Review status: criteria provided, single submitter. Criteria: ACMG Guidelines, 2015. Collection method: clinical testing. Allele origin: germline. Observed: 196 variant alleles.

Mendelics
Classification: Benign for Hereditary spastic paraplegia 48. Last evaluated: 2019-05-28. Review status: criteria provided, single submitter. Criteria: Mendelics Assertion Criteria 2017. Collection method: clinical testing. Allele origin: unknown.

GeneDx
Classification: Benign. Last evaluated: 2018-08-15. Review status: criteria provided, single submitter. Criteria: GeneDx Variant Classification Process June 2021. Collection method: clinical testing. Allele origin: germline. Affected: yes.

Illumina Laboratory Services, Illumina
Classification: Benign for Hereditary spastic paraplegia 48. Last evaluated: 2018-01-12. Review status: criteria provided, single submitter. Criteria: ICSL Variant Classification Criteria 13 December 2019. Collection method: clinical testing. Allele origin: germline.
Comment: This variant was observed in the ICSL laboratory as part of a predisposition screen in an ostensibly healthy population. It had not been previously curated by ICSL or reported in the Human Gene Mutation Database (HGMD: prior to June 1st, 2018), and was therefore a candidate for classification through an automated scoring system. Utilizing variant allele frequency, disease prevalence and penetrance estimates, and inheritance mode, an automated score was calculated to assess if this variant is too frequent to cause the disease. Based on the score and internal cut-off values, a variant classified as benign is not then subjected to further curation. The score for this variant resulted in a classification of benign for this disease.

Genome Diagnostics Laboratory, The Hospital for Sick Children
Classification: Benign for Hereditary spastic paraplegia. Last evaluated: 2016-12-12. Review status: criteria provided, single submitter. Criteria: ACMG Guidelines, 2015. Collection method: clinical testing. Allele origin: germline. Affected: yes.

Dr. Peter K. Rogan Lab, Western University
No classification provided (evidence only). Condition: Thyroid cancer, nonmedullary, 1. Review status: no classification provided. Collection method: in vitro. Allele origin: not applicable. Functional consequence: retained intron. Not counted in ClinVar's aggregate classification.

Dr. Peter K. Rogan Lab, Western University
No classification provided (evidence only). Condition: Malignant lymphoma, large B-cell, diffuse. Review status: no classification provided. Collection method: in vitro. Allele origin: not applicable. Functional consequence: retained intron. Not counted in ClinVar's aggregate classification.

Dr. Peter K. Rogan Lab, Western University
No classification provided (evidence only). Condition: Malignant lymphoma, large B-cell, diffuse. Review status: no classification provided. Collection method: in vitro. Allele origin: not applicable. Functional consequence: retained intron. Not counted in ClinVar's aggregate classification.

Dr. Peter K. Rogan Lab, Western University
No classification provided (evidence only). Condition: Thymoma. Review status: no classification provided. Collection method: in vitro. Allele origin: not applicable. Functional consequence: retained intron. Not counted in ClinVar's aggregate classification.

Dr. Peter K. Rogan Lab, Western University
No classification provided (evidence only). Condition: Adrenocortical carcinoma, hereditary. Review status: no classification provided. Collection method: in vitro. Allele origin: not applicable. Functional consequence: retained intron. Not counted in ClinVar's aggregate classification.

Dr. Peter K. Rogan Lab, Western University
No classification provided (evidence only). Condition: Adrenocortical carcinoma, hereditary. Review status: no classification provided. Collection method: in vitro. Allele origin: not applicable. Functional consequence: retained intron. Not counted in ClinVar's aggregate classification.

Dr. Peter K. Rogan Lab, Western University
No classification provided (evidence only). Condition: Adrenocortical carcinoma, hereditary. Review status: no classification provided. Collection method: in vitro. Allele origin: not applicable. Functional consequence: retained intron. Not counted in ClinVar's aggregate classification.

Dr. Peter K. Rogan Lab, Western University
No classification provided (evidence only). Condition: Uterine carcinosarcoma. Review status: no classification provided. Collection method: in vitro. Allele origin: not applicable. Functional consequence: retained intron. Not counted in ClinVar's aggregate classification.

Dr. Peter K. Rogan Lab, Western University
No classification provided (evidence only). Condition: Malignant tumor of esophagus. Review status: no classification provided. Collection method: in vitro. Allele origin: not applicable. Functional consequence: retained intron. Not counted in ClinVar's aggregate classification.

Dr. Peter K. Rogan Lab, Western University
No classification provided (evidence only). Condition: Chronic lymphocytic leukemia/small lymphocytic lymphoma. Review status: no classification provided. Collection method: in vitro. Allele origin: not applicable. Functional consequence: skipped exon. Not counted in ClinVar's aggregate classification.

Dr. Peter K. Rogan Lab, Western University
No classification provided (evidence only). Condition: Chronic lymphocytic leukemia/small lymphocytic lymphoma. Review status: no classification provided. Collection method: in vitro. Allele origin: not applicable. Functional consequence: retained intron. Not counted in ClinVar's aggregate classification.

Dr. Peter K. Rogan Lab, Western University
No classification provided (evidence only). Condition: Chronic lymphocytic leukemia/small lymphocytic lymphoma. Review status: no classification provided. Collection method: in vitro. Allele origin: not applicable. Functional consequence: retained intron. Not counted in ClinVar's aggregate classification.

Dr. Peter K. Rogan Lab, Western University
No classification provided (evidence only). Condition: Chronic lymphocytic leukemia/small lymphocytic lymphoma. Review status: no classification provided. Collection method: in vitro. Allele origin: not applicable. Functional consequence: retained intron. Not counted in ClinVar's aggregate classification.

Dr. Peter K. Rogan Lab, Western University
No classification provided (evidence only). Condition: Chronic lymphocytic leukemia/small lymphocytic lymphoma. Review status: no classification provided. Collection method: in vitro. Allele origin: not applicable. Functional consequence: retained intron. Not counted in ClinVar's aggregate classification.

Dr. Peter K. Rogan Lab, Western University
No classification provided (evidence only). Condition: Nonpapillary renal cell carcinoma. Review status: no classification provided. Collection method: in vitro. Allele origin: not applicable. Functional consequence: retained intron. Not counted in ClinVar's aggregate classification.

Dr. Peter K. Rogan Lab, Western University
No classification provided (evidence only). Condition: Nonpapillary renal cell carcinoma. Review status: no classification provided. Collection method: in vitro. Allele origin: not applicable. Functional consequence: retained intron. Not counted in ClinVar's aggregate classification.

Dr. Peter K. Rogan Lab, Western University
No classification provided (evidence only). Condition: Nonpapillary renal cell carcinoma. Review status: no classification provided. Collection method: in vitro. Allele origin: not applicable. Functional consequence: retained intron. Not counted in ClinVar's aggregate classification.

Dr. Peter K. Rogan Lab, Western University
No classification provided (evidence only). Condition: Familial pancreatic carcinoma. Review status: no classification provided. Collection method: in vitro. Allele origin: not applicable. Functional consequence: retained intron. Not counted in ClinVar's aggregate classification.

Dr. Peter K. Rogan Lab, Western University
No classification provided (evidence only). Condition: Familial pancreatic carcinoma. Review status: no classification provided. Collection method: in vitro. Allele origin: not applicable. Functional consequence: retained intron. Not counted in ClinVar's aggregate classification.

Dr. Peter K. Rogan Lab, Western University
No classification provided (evidence only). Condition: Familial pancreatic carcinoma. Review status: no classification provided. Collection method: in vitro. Allele origin: not applicable. Functional consequence: retained intron. Not counted in ClinVar's aggregate classification.

Dr. Peter K. Rogan Lab, Western University
No classification provided (evidence only). Condition: Familial pancreatic carcinoma. Review status: no classification provided. Collection method: in vitro. Allele origin: not applicable. Functional consequence: retained intron. Not counted in ClinVar's aggregate classification.

Dr. Peter K. Rogan Lab, Western University
No classification provided (evidence only). Condition: Hepatocellular carcinoma. Review status: no classification provided. Collection method: in vitro. Allele origin: not applicable. Functional consequence: retained intron. Not counted in ClinVar's aggregate classification.

Dr. Peter K. Rogan Lab, Western University
No classification provided (evidence only). Condition: Lymphoma. Review status: no classification provided. Collection method: in vitro. Allele origin: not applicable. Functional consequence: retained intron. Not counted in ClinVar's aggregate classification.

Genetic Services Laboratory, University of Chicago
Classification: Likely benign for AllHighlyPenetrant. Review status: no assertion criteria provided. Collection method: clinical testing. Allele origin: germline. Inheritance: Autosomal recessive inheritance. Not counted in ClinVar's aggregate classification.
Comment: Likely benign based on allele frequency in 1000 Genomes Project or ESP global frequency and its presence in a patient with a rare or unrelated disease phenotype. NOT Sanger confirmed.